The following is an entry in ClinVar:

ClinVar aggregate classification (germline): Uncertain significance (1 of 4 stars; one submission).

Submission:

Labcorp Genetics (formerly Invitae), Labcorp
Classification: Uncertain significance. Last evaluated: 2021-09-12. Review status: criteria provided, single submitter. Criteria: Invitae Variant Classification Sherloc (09022015). Collection method: clinical testing. Allele origin: germline.
Comment: This sequence change replaces methionine with threonine at codon 201 of the USH2A protein (p.Met201Thr). The methionine residue is highly conserved and there is a moderate physicochemical difference between methionine and threonine. This variant is not present in population databases (ExAC no frequency). This variant has not been reported in the literature in individuals affected with USH2A-related conditions. Algorithms developed to predict the effect of missense changes on protein structure and function are either unavailable or do not agree on the potential impact of this missense change (SIFT: "Deleterious"; PolyPhen-2: "Possibly Damaging"; Align-GVGD: "Class C0"). In summary, the available evidence is currently insufficient to determine the role of this variant in disease. Therefore, it has been classified as a Variant of Uncertain Significance.

NM_206933.4(USH2A):c.602T>C (p.Met201Thr)

Gene: USH2A (usherin; minus strand). Cytogenetic location: 1q41.
Variant type: single nucleotide variant.
Coding change: c.602T>C on transcript NM_206933.4 (MANE Select); coding-DNA position 602, T replaced by C.
Protein change: p.Met201Thr; replaces methionine 201 with threonine.
Molecular consequence: missense variant.
Genome position (GRCh38, 1-based): chr1:216,418,563, A>G on the plus strand (T>C on the coding strand, the complement: USH2A is on the minus strand). VCF-style: chr1-216418563-A-G. GRCh37 (hg19) VCF-style: chr1-216591905-A-G.
Other names: c.602T>C, p.Met201Thr (NM_007123.6); short protein forms M201T.
Identifiers: ClinVar variation 1490010 (VCV001490010.3), dbSNP rs2102783802, ClinGen allele CA344902358.
Genomic context (GRCh38, chr1:216,418,563, plus strand): 5'-ATTTTACTCACCTGCACACTAAGATGAATCCATTTCTTCACAAGAATTCTCCCCAGTGTC[A>G]TTACTTTTATTGGAGGTTGCAAACCATTTACTGTGCGATAATAAAACATGGTCTCTTTCT-3'
Protein context (NP_996816.3, residues 191-211): VNGLQPPIKV[Met201Thr]TLGRILVKKW